The following is an entry in ClinVar:

ClinVar aggregate classification (germline): Uncertain significance (1 of 4 stars; one submission).

Submission:

GeneDx
Classification: Uncertain significance. Last evaluated: 2024-09-03. Review status: criteria provided, single submitter. Criteria: GeneDx Variant Classification Process June 2021. Collection method: clinical testing. Allele origin: germline. Affected: yes.
Comment: Not observed at significant frequency in large population cohorts (gnomAD); In silico analysis supports that this missense variant has a deleterious effect on protein structure/function; Has not been previously published as pathogenic or benign to our knowledge

NM_000937.5(POLR2A):c.2009C>A (p.Ser670Tyr)

Gene: POLR2A (RNA polymerase II subunit A; plus strand). Cytogenetic location: 17p13.1.
Variant type: single nucleotide variant.
Coding change: c.2009C>A on transcript NM_000937.5 (MANE Select); coding-DNA position 2009, C replaced by A.
Protein change: p.Ser670Tyr; replaces serine 670 with tyrosine.
Molecular consequence: missense variant.
Genome position (GRCh38, 1-based): chr17:7,501,067, C>A. VCF-style: chr17-7501067-C-A. GRCh37 (hg19) VCF-style: chr17-7404386-C-A.
Other names: short protein forms S670Y.
Identifiers: ClinVar variation 3765959 (VCV003765959.1).
Genomic context (GRCh38, chr17:7,501,067, plus strand): 5'-GCTCCCTGGTCCACATCTCCTACCTAGAGATGGGTCATGACATCACTCGCCTCTTCTACT[C>A]CAACATTCAGACTGTCATTAACAACTGGCTCCTCATCGAGGGTGAGCATGGAGGCGTGGT-3'
Protein context (NP_000928.1, residues 660-680): MGHDITRLFY[Ser670Tyr]NIQTVINNWL